The following is an entry in ClinVar:

ClinVar aggregate classification (germline): Uncertain significance (1 of 4 stars; one submission).

Allele frequency attached by ClinVar (database versions not stated): gnomAD exomes 0.00001; gnomAD 0.00002; TOPMed 0.00002.
gnomAD v4.1: 7 of 1,551,286 alleles (0.00045%); highest among the groups gnomAD compares: Admixed American, 0.0078%; no homozygotes.

Submission:

Labcorp Genetics (formerly Invitae), Labcorp
Classification: Uncertain significance. Last evaluated: 2025-12-01. Review status: criteria provided, single submitter. Criteria: Invitae Variant Classification Sherloc (09022015). Collection method: clinical testing. Allele origin: germline.
Comment: This sequence change replaces valine, which is neutral and non-polar, with isoleucine, which is neutral and non-polar, at codon 858 of the UNC80 protein (p.Val858Ile). This variant is present in population databases (no rsID available, gnomAD no frequency). This variant has not been reported in the literature in individuals affected with UNC80-related conditions. ClinVar contains an entry for this variant (Variation ID: 1449366). An algorithm developed to predict the effect of missense changes on protein structure and function (PolyPhen-2) suggests that this variant is likely to be tolerated. In summary, the available evidence is currently insufficient to determine the role of this variant in disease. Therefore, it has been classified as a Variant of Uncertain Significance.

NM_001371986.1(UNC80):c.2572G>A (p.Val858Ile)

Gene: UNC80 (unc-80 subunit of NALCN channel complex; plus strand). Cytogenetic location: 2q34.
Variant type: single nucleotide variant.
Coding change: c.2572G>A on transcript NM_001371986.1 (MANE Select); coding-DNA position 2572, G replaced by A.
Protein change: p.Val858Ile; replaces valine 858 with isoleucine.
Molecular consequence: missense variant.
Genome position (GRCh38, 1-based): chr2:209,829,325, G>A. VCF-style: chr2-209829325-G-A. GRCh37 (hg19) VCF-style: chr2-210694049-G-A.
Other names: c.2572G>A, p.Val858Ile (NM_032504.2); c.2557G>A, p.Val853Ile (NM_182587.4); short protein forms V853I, V858I.
Identifiers: ClinVar variation 1449366 (VCV001449366.8), dbSNP rs1028743724, ClinGen allele CA64675540.